The following is an entry in ClinVar:

ClinVar aggregate classification (germline): Conflicting classifications of pathogenicity. Review status: criteria provided, conflicting classifications (1 of 4 stars). 2 submissions from 2 submitters: Likely pathogenic (1); Uncertain significance (1). Last evaluated 2025-11-08.

Conditions:
Inborn genetic diseases. Identifiers: MedGen C0950123, MeSH D030342.

Allele frequency attached by ClinVar (database versions not stated): gnomAD 0.00001.
gnomAD v4.1: 1 of 1,614,072 alleles (0.000062%); highest among the groups gnomAD compares: Admixed American, 0.0017%; no homozygotes.

Submissions (2):

Ambry Genetics
Classification: Uncertain significance for Inborn genetic diseases. Last evaluated: 2025-11-08. Review status: criteria provided, single submitter. Criteria: Ambry Variant Classification Scheme 2023. Collection method: clinical testing. Allele origin: germline.

Labcorp Genetics (formerly Invitae), Labcorp
Classification: Likely pathogenic. Last evaluated: 2023-08-05. Review status: criteria provided, single submitter. Criteria: Invitae Variant Classification Sherloc (09022015). Collection method: clinical testing. Allele origin: germline.
Comment: In summary, the currently available evidence indicates that the variant is pathogenic, but additional data are needed to prove that conclusively. Therefore, this variant has been classified as Likely Pathogenic. Advanced modeling of protein sequence and biophysical properties (such as structural, functional, and spatial information, amino acid conservation, physicochemical variation, residue mobility, and thermodynamic stability) performed at Invitae indicates that this missense variant is expected to disrupt ABCA4 protein function. ClinVar contains an entry for this variant (Variation ID: 1019158). This missense change has been observed in individual(s) with Stargardt disease (Invitae). This variant is not present in population databases (gnomAD no frequency). This sequence change replaces tyrosine, which is neutral and polar, with phenylalanine, which is neutral and non-polar, at codon 1538 of the ABCA4 protein (p.Tyr1538Phe).

NM_000350.3(ABCA4):c.4613A>T (p.Tyr1538Phe)

Gene: ABCA4 (ATP binding cassette subfamily A member 4; minus strand). Cytogenetic location: 1p22.1.
Variant type: single nucleotide variant.
Coding change: c.4613A>T on transcript NM_000350.3 (MANE Select); coding-DNA position 4613, A replaced by T.
Protein change: p.Tyr1538Phe; replaces tyrosine 1538 with phenylalanine.
Molecular consequence: missense variant.
Genome position (GRCh38, 1-based): chr1:94,024,975, T>A on the plus strand (A>T on the coding strand, the complement: ABCA4 is on the minus strand). VCF-style: chr1-94024975-T-A. GRCh37 (hg19) VCF-style: chr1-94490531-T-A.
Other names: c.4613A>T (NM_000350.2); c.4391A>T, p.Tyr1464Phe (NM_001425324.1); short protein forms Y1538F, Y1464F.
Identifiers: ClinVar variation 1019158 (VCV001019158.11), dbSNP rs1427105205, ClinGen allele CA341284595.
Genomic context (GRCh38, chr1:94,024,975, plus strand): 5'-GGGAGCCAGGATAAAAAGCATAAAAGGATTTCTTCTTACCTGCTTCTTATAAGAGCAGGA[T>A]ACGTTTTTACCAAGAAGTCGGAGATGTTCCTGTCCGTCAGGTCTTGTAGAATTTCCGTGC-3'
Protein context (NP_000341.2, residues 1528-1548): RNISDFLVKT[Tyr1538Phe]PALIRSSLKS